The following is an entry in ClinVar:

NM_001845.6(COL4A1):c.1264C>A (p.Pro422Thr)

Gene: COL4A1 (collagen type IV alpha 1 chain; minus strand). Cytogenetic location: 13q34.
Variant type: single nucleotide variant.
Coding change: c.1264C>A on transcript NM_001845.6 (MANE Select); coding-DNA position 1264, C replaced by A.
Protein change: p.Pro422Thr; replaces proline 422 with threonine.
Molecular consequence: missense variant.
Genome position (GRCh38, 1-based): chr13:110,198,488, G>T on the plus strand (C>A on the coding strand, the complement: COL4A1 is on the minus strand). VCF-style: chr13-110198488-G-T. GRCh37 (hg19) VCF-style: chr13-110850835-G-T.
Other names: c.1264C>A, p.Pro422Thr (NM_001303110.2); short protein forms P422T.
Identifiers: ClinVar variation 2203989 (VCV002203989.5), dbSNP rs767641915, ClinGen allele CA7048011.
Genomic context (GRCh38, chr13:110,198,488, plus strand): 5'-GCTTGCACCCCACATTAAACCATTTCTGAGGGAACTCACTTGTGTAGCCAGGCTGCCCAG[G>T]GGGCCCAGGGGAACCAGGAGGACCCGGGAGCCCATCTCTTCCACTTGGTCCTGGCAGAGA-3'
Protein context (NP_001836.3, residues 412-432): LPGPPGSPGP[Pro422Thr]GQPGYTNGIV

ClinVar aggregate classification (germline): Uncertain significance. Review status: criteria provided, multiple submitters, no conflicts (2 of 4 stars). 2 submissions from 2 submitters: Uncertain significance (2). Last evaluated 2023-09-05.

Conditions:
Inborn genetic diseases. Identifiers: MedGen C0950123, MeSH D030342.

Allele frequency attached by ClinVar (database versions not stated): TOPMed below 0.00001; ExAC 0.00001.
gnomAD v4.1: 2 of 1,613,414 alleles (0.00012%); highest among the groups gnomAD compares: Admixed American, 0.0033%; no homozygotes.

Submissions (2):

Labcorp Genetics (formerly Invitae), Labcorp
Classification: Uncertain significance. Last evaluated: 2023-09-05. Review status: criteria provided, single submitter. Criteria: Invitae Variant Classification Sherloc (09022015). Collection method: clinical testing. Allele origin: germline.
Comment: Advanced modeling of protein sequence and biophysical properties (such as structural, functional, and spatial information, amino acid conservation, physicochemical variation, residue mobility, and thermodynamic stability) performed at Invitae indicates that this missense variant is not expected to disrupt COL4A1 protein function. In summary, the available evidence is currently insufficient to determine the role of this variant in disease. Therefore, it has been classified as a Variant of Uncertain Significance. ClinVar contains an entry for this variant (Variation ID: 2203989). This variant has not been reported in the literature in individuals affected with COL4A1-related conditions. This variant is present in population databases (rs767641915, gnomAD 0.006%). This sequence change replaces proline, which is neutral and non-polar, with threonine, which is neutral and polar, at codon 422 of the COL4A1 protein (p.Pro422Thr).

Ambry Genetics
Classification: Uncertain significance for Inborn genetic diseases. Last evaluated: 2022-05-06. Review status: criteria provided, single submitter. Criteria: Ambry Variant Classification Scheme 2023. Collection method: clinical testing. Allele origin: germline.